The following is an entry in ClinVar:

ClinVar aggregate classification (germline): Benign/Likely benign. Review status: criteria provided, multiple submitters, no conflicts (2 of 4 stars). 4 submissions from 4 submitters: Benign (2); Likely benign (2). Last evaluated 2026-01-24.

Conditions:
ABCA4-related disorder. Also called: ABCA4-related condition; ABCA4-related disorders. Identifiers: MedGen CN239167.

Allele frequency attached by ClinVar (database versions not stated): gnomAD 0.00018 and 0.00034; ESP Exome Variant Server 0.00023; TOPMed 0.00035; 1000 Genomes Project 0.00080; 1000 Genomes Project 30x 0.00109.
gnomAD v4.1: 799 of 1,613,008 alleles (0.05%); highest among the groups gnomAD compares: South Asian, 0.43%; 5 homozygotes.

Submissions (4):

Labcorp Genetics (formerly Invitae), Labcorp
Classification: Benign. Last evaluated: 2026-01-24. Review status: criteria provided, single submitter. Criteria: Invitae Variant Classification Sherloc (09022015). Collection method: clinical testing. Allele origin: germline.

PreventionGenetics, part of Exact Sciences
Classification: Likely benign for ABCA4-related condition. Last evaluated: 2024-12-09. Review status: criteria provided, single submitter. Criteria: ACMG Guidelines, 2015. Collection method: clinical testing. Allele origin: germline.
Comment: This variant is classified as likely benign based on ACMG/AMP sequence variant interpretation guidelines (Richards et al. 2015 PMID: 25741868, with internal and published modifications).

Blueprint Genetics
Classification: Likely benign. Last evaluated: 2024-11-22. Review status: criteria provided, single submitter. Criteria: ACMG Guidelines, 2015. Collection method: clinical testing. Allele origin: germline.

GeneDx
Classification: Benign. Last evaluated: 2015-03-03. Review status: criteria provided, single submitter. Criteria: GeneDx Variant Classification Process June 2021. Collection method: clinical testing. Allele origin: germline. Affected: yes.

NM_000350.3(ABCA4):c.4128+16G>A

Gene: ABCA4 (ATP binding cassette subfamily A member 4; minus strand). Cytogenetic location: 1p22.1.
Variant type: single nucleotide variant.
Coding change: c.4128+16G>A on transcript NM_000350.3 (MANE Select); 16 bases into the intron after coding-DNA position 4128, G replaced by A.
Molecular consequence: intron variant.
Genome position (GRCh38, 1-based): chr1:94,031,762, C>T on the plus strand (G>A on the coding strand, the complement: ABCA4 is on the minus strand). VCF-style: chr1-94031762-C-T. GRCh37 (hg19) VCF-style: chr1-94497318-C-T.
Identifiers: ClinVar variation 866983 (VCV000866983.13), dbSNP rs61783968, ClinGen allele CA957717.
Genomic context (GRCh38, chr1:94,031,762, plus strand): 5'-AGGAACACTCAGGAGAGGAGGGGAAGGCTGGGAGAGGAGCCACTGAGCTCAGCTAAACAC[C>T]GACCGACAATAGTACCTGCGCCAGGAAGTCCTTGTGGCTGCGGATGGTGTGTTGGAATCT-3'